The following is an entry in ClinVar:

ClinVar aggregate classification (germline): Uncertain significance (1 of 4 stars; one submission).

gnomAD v4.1: 4 of 1,613,978 alleles (0.00025%); highest among the groups gnomAD compares: African/African-American, 0.0013%; no homozygotes.

Submission:

GeneDx
Classification: Uncertain significance. Last evaluated: 2022-07-19. Review status: criteria provided, single submitter. Criteria: GeneDx Variant Classification Process June 2021. Collection method: clinical testing. Allele origin: germline. Affected: yes.
Comment: Not observed at significant frequency in large population cohorts (gnomAD); In silico analysis supports that this missense variant has a deleterious effect on protein structure/function; Has not been previously published as pathogenic or benign to our knowledge

NM_133497.4(KCNV2):c.1534C>A (p.Arg512Ser)

Gene: KCNV2 (potassium voltage-gated channel modifier subfamily V member 2; plus strand). Cytogenetic location: 9p24.2.
Variant type: single nucleotide variant.
Coding change: c.1534C>A on transcript NM_133497.4 (MANE Select); coding-DNA position 1534, C replaced by A.
Protein change: p.Arg512Ser; replaces arginine 512 with serine.
Molecular consequence: missense variant.
Genome position (GRCh38, 1-based): chr9:2,729,623, C>A. VCF-style: chr9-2729623-C-A. GRCh37 (hg19) VCF-style: chr9-2729623-C-A.
Other names: short protein forms R512S.
Identifiers: ClinVar variation 2136015 (VCV002136015.1), dbSNP rs537588654, ClinGen allele CA372803671.
Genomic context (GRCh38, chr9:2,729,623, plus strand): 5'-CTCTACAACAAGTTTTCTGATTACTACAGCAAGCTGAAGGCTTATGAGTATACCACCATA[C>A]GCAGGGAGAGGGGAGAGGTGAACTTCATGCAGAGAGCCAGAAAGAAGATAGCTGAGTGTT-3'
Protein context (NP_598004.1, residues 502-522): KLKAYEYTTI[Arg512Ser]RERGEVNFMQ